The following is an entry in ClinVar:

NM_000282.4(PCCA):c.1477del (p.Arg493fs)

Gene: PCCA (propionyl-CoA carboxylase subunit alpha; plus strand). Cytogenetic location: 13q32.3.
Variant type: Deletion.
Coding change: c.1477del on transcript NM_000282.4 (MANE Select); coding-DNA position 1477, one base deleted (C; older notation c.1477delC).
Protein change: p.Arg493fs; shifts the reading frame from arginine 493.
Molecular consequence: frameshift variant. On other transcripts: non-coding transcript variant (5).
Genome position (GRCh38, 1-based): chr13:100,330,608, C deleted. VCF-style (leftmost placement, unchanged base first): chr13-100330607-AC-A. GRCh37 (hg19) VCF-style: chr13-100982861-AC-A.
Other names: c.1399del, p.Arg467fs (NM_001127692.3, NM_001352607.2); c.1477del, p.Arg493fs (NM_001178004.2, NM_001352605.2, NM_001352609.2); c.1333del, p.Arg445fs (NM_001352606.2); c.1255del, p.Arg419fs (NM_001352608.2); c.532del, p.Arg178fs (NM_001352610.2, NM_001352611.2); c.388del, p.Arg130fs (NM_001352612.2); c.1477delC (NM_000282.3); short protein forms R130fs, R467fs, R178fs, R419fs, R445fs, R493fs.
Identifiers: ClinVar variation 1455330 (VCV001455330.10), dbSNP rs746733688, ClinGen allele CA7033679.

ClinVar aggregate classification (germline): Pathogenic. Review status: criteria provided, multiple submitters, no conflicts (2 of 4 stars). 3 submissions from 3 submitters: Pathogenic (3). Last evaluated 2024-05-08.

Conditions:
Propionic acidemia (PROP). Also called: GLYCINEMIA, KETOTIC; HYPERGLYCINEMIA WITH KETOACIDOSIS AND LEUKOPENIA; KETOTIC HYPERGLYCINEMIA. Identifiers: Orphanet 35, MedGen C0268579, MONDO:0011628, OMIM 606054, HP:0003571.

Allele frequency attached by ClinVar (database versions not stated): gnomAD exomes below 0.00001 and 0.00001; ExAC 0.00001.

Submissions (3):

Natera, Inc.
Classification: Pathogenic for Propionic acidemia. Last evaluated: 2024-05-08. Review status: criteria provided, single submitter. Criteria: Natera Variant Classification Schema (03/2026). Collection method: clinical testing. Allele origin: germline.
Comment: The c.1477delC variant in PCCA is a frameshift variant predicted to shift the reading frame beginning at codon 493 and leads to a stop codon 3 codons downstream. This variant is expected to result in nonsense mediated decay, truncation, or a dysfunctional protein product. This variant is rare in the general population with a frequency below the threshold expected for the associated phenotype(s). This variant has been observed in one or more individuals affected with the associated recessive disease, as either homozygous or compound heterozygous with a second variant (PMID: 30274917). Given the available evidence, this variant is classified as Pathogenic.

Labcorp Genetics (formerly Invitae), Labcorp
Classification: Pathogenic for Propionic acidemia. Last evaluated: 2022-02-05. Review status: criteria provided, single submitter. Criteria: Invitae Variant Classification Sherloc (09022015). Collection method: clinical testing. Allele origin: germline.
Comment: This variant is present in population databases (rs746733688, gnomAD 0.0009%). For these reasons, this variant has been classified as Pathogenic. This premature translational stop signal has been observed in individual(s) with propionic acidemia (PMID: 30274917). This sequence change creates a premature translational stop signal (p.Arg493Alafs*3) in the PCCA gene. It is expected to result in an absent or disrupted protein product. Loss-of-function variants in PCCA are known to be pathogenic (PMID: 15464417).

Baylor Genetics
Classification: Pathogenic for Propionic acidemia. Last evaluated: 2022-01-12. Review status: criteria provided, single submitter. Criteria: ACMG Guidelines, 2015. Collection method: clinical testing. Allele origin: unknown.

Literature cited by the submitters: PubMed 30274917 (cited by Natera, Inc. and Labcorp Genetics (formerly Invitae), Labcorp); PubMed 15464417 (cited by Labcorp Genetics (formerly Invitae), Labcorp).